The following is an entry in ClinVar:

ClinVar aggregate classification (germline): Uncertain significance (1 of 4 stars; one submission).

Submission:

GeneDx
Classification: Uncertain significance. Last evaluated: 2024-12-18. Review status: criteria provided, single submitter. Criteria: GeneDx Variant Classification Process June 2021. Collection method: clinical testing. Allele origin: germline. Affected: yes.
Comment: Not observed at significant frequency in large population cohorts (gnomAD); In silico analysis indicates that this missense variant does not alter protein structure/function; Has not been previously published as pathogenic or benign to our knowledge

NM_144991.3(TSPEAR):c.1730A>C (p.Lys577Thr)

Genes: TSPEAR (thrombospondin type laminin G domain and EAR repeats; minus strand), TSPEAR-AS1 (TSPEAR antisense RNA 1; plus strand), LOC126653398 (CDK7 strongly-dependent group 2 enhancer GRCh37_chr21:45928270-45929469; plus strand). Cytogenetic location: 21q22.3.
Variant type: single nucleotide variant.
Coding change: c.1730A>C on transcript NM_144991.3 (MANE Select); coding-DNA position 1730, A replaced by C.
Protein change: p.Lys577Thr; replaces lysine 577 with threonine.
Molecular consequence: missense variant.
Genome position (GRCh38, 1-based): chr21:44,509,223, T>G on the plus strand (A>C on the coding strand, the complement: TSPEAR is on the minus strand). VCF-style: chr21-44509223-T-G. GRCh37 (hg19) VCF-style: chr21-45929106-T-G.
Other names: c.1526A>C, p.Lys509Thr (NM_001272037.2); short protein forms K509T, K577T.
Identifiers: ClinVar variation 3906594 (VCV003906594.1).
Genomic context (GRCh38, chr21:44,509,223, plus strand): 5'-TCAGCCCACCTCCCACTGGCCTGTGGAGGCGCATACCTGCAGGTGAGAATGTCCTGGAAC[T>G]TGACAAAGGCCTGCGCGGTCACGTTCAGCTCGTAGATGACGGAGTTGATGACATAGGAAT-3'
Protein context (NP_659428.2, residues 567-587): ELNVTAQAFV[Lys577Thr]FQDILTCSAL